The following is an entry in ClinVar:

ClinVar aggregate classification (germline): Uncertain significance. Review status: criteria provided, multiple submitters, no conflicts (2 of 4 stars). 2 submissions from 2 submitters: Uncertain significance (2). Last evaluated 2025-09-26.

Conditions:
Inborn genetic diseases. Identifiers: MedGen C0950123, MeSH D030342.

Allele frequency attached by ClinVar (database versions not stated): 1000 Genomes Project 30x 0.00031; 1000 Genomes Project 0.00020; TOPMed below 0.00001; ExAC 0.00001; gnomAD 0.00002.
gnomAD v4.1: 24 of 1,603,208 alleles (0.0015%); highest among the groups gnomAD compares: Middle Eastern, 0.017%; no homozygotes.

Submissions (2):

Labcorp Genetics (formerly Invitae), Labcorp
Classification: Uncertain significance. Last evaluated: 2025-09-26. Review status: criteria provided, single submitter. Criteria: Invitae Variant Classification Sherloc (09022015). Collection method: clinical testing. Allele origin: germline.
Comment: This sequence change replaces arginine, which is basic and polar, with cysteine, which is neutral and slightly polar, at codon 1130 of the MYH3 protein (p.Arg1130Cys). This variant is present in population databases (rs199517883, gnomAD 0.01%). This variant has not been reported in the literature in individuals affected with MYH3-related conditions. ClinVar contains an entry for this variant (Variation ID: 1966415). Invitae Evidence Modeling of protein sequence and biophysical properties (such as structural, functional, and spatial information, amino acid conservation, physicochemical variation, residue mobility, and thermodynamic stability) indicates that this missense variant is not expected to disrupt MYH3 protein function with a negative predictive value of 95%. In summary, the available evidence is currently insufficient to determine the role of this variant in disease. Therefore, it has been classified as a Variant of Uncertain Significance.

Ambry Genetics
Classification: Uncertain significance for Inborn genetic diseases. Last evaluated: 2025-04-01. Review status: criteria provided, single submitter. Criteria: Ambry Variant Classification Scheme 2023. Collection method: clinical testing. Allele origin: germline.

NM_002470.4(MYH3):c.3388C>T (p.Arg1130Cys)

Gene: MYH3 (myosin heavy chain 3; minus strand). Cytogenetic location: 17p13.1.
Variant type: single nucleotide variant.
Coding change: c.3388C>T on transcript NM_002470.4 (MANE Select); coding-DNA position 3388, C replaced by T.
Protein change: p.Arg1130Cys; replaces arginine 1130 with cysteine.
Molecular consequence: missense variant.
Genome position (GRCh38, 1-based): chr17:10,638,384, G>A on the plus strand (C>T on the coding strand, the complement: MYH3 is on the minus strand). VCF-style: chr17-10638384-G-A. GRCh37 (hg19) VCF-style: chr17-10541701-G-A.
Other names: c.3388C>T (NM_002470.3); short protein forms R1130C.
Identifiers: ClinVar variation 1966415 (VCV001966415.6), dbSNP rs199517883, ClinGen allele CA8392535.
Genomic context (GRCh38, chr17:10,638,384, plus strand): 5'-GCTCGCTCAGCTCCTCCAGCTCCCGGGCATAGTCGCTGCGCTGTTTCTCTGTCTTCGCGC[G>A]GGTGGCCCTCTCCGCCTCTATCTCCTCTTCCAGCTCCTCAATTCGAGCCTGTGGAGGGCA-3'
Protein context (NP_002461.2, residues 1120-1140): EEEIEAERAT[Arg1130Cys]AKTEKQRSDY